The following is an entry in ClinVar:

NM_006206.6(PDGFRA):c.689C>T (p.Thr230Met)

Gene: PDGFRA (platelet derived growth factor receptor alpha; plus strand). Cytogenetic location: 4q12.
Variant type: single nucleotide variant.
Coding change: c.689C>T on transcript NM_006206.6 (MANE Select); coding-DNA position 689, C replaced by T.
Protein change: p.Thr230Met; replaces threonine 230 with methionine.
Molecular consequence: missense variant.
Genome position (GRCh38, 1-based): chr4:54,264,979, C>T. VCF-style: chr4-54264979-C-T. GRCh37 (hg19) VCF-style: chr4-55131146-C-T.
Other names: c.689C>T, p.Thr230Met (NM_001347827.2, NM_001347829.2); c.764C>T, p.Thr255Met (NM_001347828.2); c.728C>T, p.Thr243Met (NM_001347830.2); short protein forms T255M, T230M, T243M.
Identifiers: ClinVar variation 834295 (VCV000834295.11), dbSNP rs752886996, ClinGen allele CA2922354.
Genomic context (GRCh38, chr4:54,264,979, plus strand): 5'-CAACATCAGAGCTGGATCTAGAAATGGAAGCTCTTAAAACCGTGTATAAGTCAGGGGAAA[C>T]GATTGTGGTCACCTGTGCTGTTTTTAACAATGAGGTGGTTGACCTTCAATGGACTTACCC-3'
Protein context (NP_006197.1, residues 220-240): ALKTVYKSGE[Thr230Met]IVVTCAVFNN

ClinVar aggregate classification (germline): Uncertain significance. Review status: criteria provided, multiple submitters, no conflicts (2 of 4 stars). 2 submissions from 2 submitters: Uncertain significance (2). Last evaluated 2025-11-26.

Conditions:
Hereditary cancer-predisposing syndrome. Also called: Neoplastic Syndromes, Hereditary; Tumor predisposition; Hereditary Cancer Syndrome; Hereditary neoplastic syndrome. Identifiers: Orphanet 140162, MedGen C0027672, MeSH D009386, MONDO:0015356.
Gastrointestinal stromal tumor. Also called: Gastrointestinal stromal tumor, somatic; Gastrointestinal stroma tumor. Identifiers: Orphanet 44890, MedGen C0238198, MeSH D046152, MONDO:0011719, OMIM 606764, HP:0100723.

Allele frequency attached by ClinVar (database versions not stated): gnomAD exomes below 0.00001 and 0.00001; ExAC 0.00001; gnomAD 0.00001.
gnomAD v4.1: 9 of 1,612,574 alleles (0.00056%); highest among the groups gnomAD compares: South Asian, 0.0022%; no homozygotes.

Submissions (2):

Labcorp Genetics (formerly Invitae), Labcorp
Classification: Uncertain significance for Gastrointestinal stromal tumor. Last evaluated: 2025-11-26. Review status: criteria provided, single submitter. Criteria: Invitae Variant Classification Sherloc (09022015). Collection method: clinical testing. Allele origin: germline.
Comment: This sequence change replaces threonine, which is neutral and polar, with methionine, which is neutral and non-polar, at codon 230 of the PDGFRA protein (p.Thr230Met). This variant is present in population databases (rs752886996, gnomAD 0.003%). This variant has not been reported in the literature in individuals affected with PDGFRA-related conditions. ClinVar contains an entry for this variant (Variation ID: 834295). Invitae Evidence Modeling of protein sequence and biophysical properties (such as structural, functional, and spatial information, amino acid conservation, physicochemical variation, residue mobility, and thermodynamic stability) indicates that this missense variant is not expected to disrupt PDGFRA protein function with a negative predictive value of 80%. In summary, the available evidence is currently insufficient to determine the role of this variant in disease. Therefore, it has been classified as a Variant of Uncertain Significance.

Ambry Genetics
Classification: Uncertain significance for Hereditary cancer-predisposing syndrome. Last evaluated: 2024-12-30. Review status: criteria provided, single submitter. Criteria: Ambry Variant Classification Scheme 2023. Collection method: clinical testing. Allele origin: germline.
Comment: The p.T230M variant (also known as c.689C>T), located in coding exon 4 of the PDGFRA gene, results from a C to T substitution at nucleotide position 689. The threonine at codon 230 is replaced by methionine, an amino acid with similar properties. This amino acid position is not well conserved in available vertebrate species. In addition, this alteration is predicted to be tolerated by in silico analysis. Based on the available evidence, the clinical significance of this variant remains unclear.